The following is an entry in ClinVar:

ClinVar aggregate classification (germline): Benign/Likely benign. Review status: criteria provided, multiple submitters, no conflicts (2 of 4 stars). 5 submissions from 5 submitters: Benign (1); Likely benign (4). Last evaluated 2025-06-25.

Conditions:
Paragangliomas with sensorineural hearing loss. Identifiers: MedGen C1868633.
Pheochromocytoma. Also called: MAX-Related Hereditary Paraganglioma-Pheochromocytoma Syndrome. Identifiers: Orphanet 29072, MedGen C0031511, MONDO:0008233, OMIM 171300, HP:0002666.
Cowden syndrome 3 (CWS3). Identifiers: Orphanet 201, MedGen CN166604, MONDO:0014045.
Carney-Stratakis syndrome. Also called: PARAGANGLIOMA AND GASTROINTESTINAL STROMAL TUMOR. Identifiers: Orphanet 97286, MedGen C1847319, MONDO:0011740, OMIM 606864.
Hereditary cancer-predisposing syndrome. Also called: Neoplastic Syndromes, Hereditary; Hereditary neoplastic syndrome; Tumor predisposition; Hereditary Cancer Syndrome. Identifiers: Orphanet 140162, MedGen C0027672, MeSH D009386, MONDO:0015356.
Hereditary pheochromocytoma and paraganglioma. Also called: Hereditary Paraganglioma-Pheochromocytoma Syndromes; Hereditary paragangliomas and pheochromocytomas; Hereditary pheochromocytoma-paraganglioma. Identifiers: Orphanet 29072, MedGen C4274332, MONDO:0017366.
Pheochromocytoma/paraganglioma syndrome 1. Also called: Paragangliomas 1; Glomus tumors familial 1; Paraganglioma - glomus jugulare; SDHD-Related Hereditary Paraganglioma-Pheochromocytoma Syndrome; PARAGANGLIOMAS, FAMILIAL NONCHROMAFFIN, 1; PGL 1. Identifiers: Orphanet 29072, MedGen C3494181, MONDO:0008192, OMIM 168000.

Allele frequency attached by ClinVar (database versions not stated): gnomAD exomes below 0.00001; gnomAD 0.00001; TOPMed 0.00001.

Submissions (5):

Quest Diagnostics Nichols Institute San Juan Capistrano
Classification: Likely benign. Last evaluated: 2025-06-25. Review status: criteria provided, single submitter. Criteria: Quest Diagnostics criteria. Collection method: clinical testing. Allele origin: unknown.

Labcorp Genetics (formerly Invitae), Labcorp
Classification: Likely benign for Carney-Stratakis syndrome; Paragangliomas with sensorineural hearing loss; Pheochromocytoma; Cowden syndrome 3. Last evaluated: 2025-06-16. Review status: criteria provided, single submitter. Criteria: Invitae Variant Classification Sherloc (09022015). Collection method: clinical testing. Allele origin: germline.

Myriad Genetics, Inc.
Classification: Benign for Pheochromocytoma/paraganglioma syndrome 1. Last evaluated: 2025-03-17. Review status: criteria provided, single submitter. Criteria: Myriad Autosomal Dominant, Autosomal Recessive and X-Linked Classification Criteria (2023). Collection method: clinical testing. Allele origin: unknown.
Comment: This variant is considered benign. This variant is a silent/synonymous amino acid change and it is not expected to impact splicing.

All of Us Research Program, National Institutes of Health
Classification: Likely benign for Hereditary pheochromocytoma and paraganglioma. Last evaluated: 2023-05-30. Review status: criteria provided, single submitter. Criteria: ACMG Guidelines, 2015. Collection method: clinical testing. Allele origin: germline. Inheritance: Autosomal dominant inheritance. Observed: 2 variant alleles, 2 heterozygotes.
Comment: This study involves interpretation of variants in research participants for the purpose of population health screening. Participant phenotype was not available at the time of variant classification. Additional details can be found in publication PMID: 35346344, PMCID: PMC8962531

Ambry Genetics
Classification: Likely benign for Hereditary cancer-predisposing syndrome. Last evaluated: 2017-08-03. Review status: criteria provided, single submitter. Criteria: Ambry Variant Classification Scheme 2023. Collection method: clinical testing. Allele origin: germline.

NM_003002.4(SDHD):c.21G>A (p.Leu7=)

Genes: SDHD (succinate dehydrogenase complex subunit D; plus strand), LOC126861339 (BRD4-independent group 4 enhancer GRCh37_chr11:111957035-111958234; plus strand). Cytogenetic location: 11q23.1.
Variant type: single nucleotide variant.
Coding change: c.21G>A on transcript NM_003002.4 (MANE Select); coding-DNA position 21, G replaced by A.
Protein change: p.Leu7=; no amino-acid change (leucine 7 retained).
Molecular consequence: synonymous variant. On other transcripts: non-coding transcript variant (1).
Genome position (GRCh38, 1-based): chr11:112,086,928, G>A. VCF-style: chr11-112086928-G-A. GRCh37 (hg19) VCF-style: chr11-111957652-G-A.
Other names: c.21G>A, p.Leu7= (NM_001276503.2, NM_001276504.2, NM_001276506.2).
Identifiers: ClinVar variation 465227 (VCV000465227.19), dbSNP rs974401612, ClinGen allele CA228550366.